The following is an entry in ClinVar:

ClinVar aggregate classification (germline): Benign. Review status: criteria provided, multiple submitters, no conflicts (2 of 4 stars). 2 submissions from 2 submitters: Benign (2). Last evaluated 2022-10-01.

Conditions:
Familial hyperaldosteronism type III. Also called: Familial hyperaldosteronism type 3; FH III. Identifiers: Orphanet 251274, MedGen C3838758, MONDO:0013359, OMIM 613677.

Allele frequency attached by ClinVar (database versions not stated): 1000 Genomes Project 30x 0.00078; 1000 Genomes Project 0.00100; TOPMed 0.00181; gnomAD 0.00196 and 0.00200.
gnomAD v4.1: 2,352 of 969,846 alleles (0.24%); highest among the groups gnomAD compares: Middle Eastern, 0.33%; 6 homozygotes.

Submissions (2):

CeGaT Center for Human Genetics Tuebingen
Classification: Benign. Last evaluated: 2022-10-01. Review status: criteria provided, single submitter. Criteria: CeGaT Center For Human Genetics Tuebingen Variant Classification Criteria Version 2. Collection method: clinical testing. Allele origin: germline. Affected: yes. Observed: 1 variant allele.
Comment: KCNJ5: BS1, BS2

Illumina Laboratory Services, Illumina
Classification: Benign for Familial hyperaldosteronism type III. Last evaluated: 2018-01-13. Review status: criteria provided, single submitter. Criteria: ICSL Variant Classification Criteria 13 December 2019. Collection method: clinical testing. Allele origin: germline.
Comment: This variant was observed in the ICSL laboratory as part of a predisposition screen in an ostensibly healthy population. It had not been previously curated by ICSL or reported in the Human Gene Mutation Database (HGMD: prior to June 1st, 2018), and was therefore a candidate for classification through an automated scoring system. Utilizing variant allele frequency, disease prevalence and penetrance estimates, and inheritance mode, an automated score was calculated to assess if this variant is too frequent to cause the disease. Based on the score and internal cut-off values, a variant classified as benign is not then subjected to further curation. The score for this variant resulted in a classification of benign for this disease.

NM_000890.5(KCNJ5):c.*96G>A

Gene: KCNJ5 (potassium inwardly rectifying channel subfamily J member 5; plus strand). Cytogenetic location: 11q24.3.
Variant type: single nucleotide variant.
Coding change: c.*96G>A on transcript NM_000890.5 (MANE Select); 96 bases downstream of the stop codon, G replaced by A.
Molecular consequence: 3 prime UTR variant.
Genome position (GRCh38, 1-based): chr11:128,916,827, G>A. VCF-style: chr11-128916827-G-A. GRCh37 (hg19) VCF-style: chr11-128786722-G-A.
Other names: c.*96G>A (LRG_333t1, NM_001354169.2).
Identifiers: ClinVar variation 303635 (VCV000303635.30), dbSNP rs77092337, ClinGen allele CA10630414.